The following is an entry in ClinVar:

ClinVar aggregate classification (germline): Uncertain significance. Review status: criteria provided, multiple submitters, no conflicts (2 of 4 stars). 2 submissions from 2 submitters: Uncertain significance (2). Last evaluated 2024-02-28.

Allele frequency attached by ClinVar (database versions not stated): ExAC 0.00001; gnomAD exomes 0.00001; gnomAD 0.00002; TOPMed 0.00003.
gnomAD v4.1: 21 of 1,611,670 alleles (0.0013%); highest among the groups gnomAD compares: Admixed American, 0.0033%; no homozygotes.

Submissions (2):

Ambry Genetics
Classification: Uncertain significance. Last evaluated: 2024-02-28. Review status: criteria provided, single submitter. Criteria: Ambry Variant Classification Scheme 2023. Collection method: clinical testing. Allele origin: germline.

Labcorp Genetics (formerly Invitae), Labcorp
Classification: Uncertain significance. Last evaluated: 2023-12-11. Review status: criteria provided, single submitter. Criteria: Invitae Variant Classification Sherloc (09022015). Collection method: clinical testing. Allele origin: germline.
Comment: This sequence change replaces threonine, which is neutral and polar, with alanine, which is neutral and non-polar, at codon 42 of the NPAT protein (p.Thr42Ala). This variant is present in population databases (rs755989439, gnomAD 0.002%). This variant has not been reported in the literature in individuals affected with NPAT-related conditions. An algorithm developed to predict the effect of missense changes on protein structure and function (PolyPhen-2) suggests that this variant is likely to be disruptive. In summary, the available evidence is currently insufficient to determine the role of this variant in disease. Therefore, it has been classified as a Variant of Uncertain Significance.

NM_002519.3(NPAT):c.124A>G (p.Thr42Ala)

Gene: NPAT (nuclear protein, coactivator of histone transcription; minus strand). Cytogenetic location: 11q22.3.
Variant type: single nucleotide variant.
Coding change: c.124A>G on transcript NM_002519.3 (MANE Select); coding-DNA position 124, A replaced by G.
Protein change: p.Thr42Ala; replaces threonine 42 with alanine.
Molecular consequence: missense variant.
Genome position (GRCh38, 1-based): chr11:108,197,334, T>C on the plus strand (A>G on the coding strand, the complement: NPAT is on the minus strand). VCF-style: chr11-108197334-T-C. GRCh37 (hg19) VCF-style: chr11-108068061-T-C.
Other names: c.124A>G, p.Thr42Ala (NM_001321307.1); c.124A>G (NM_002519.2); short protein forms T42A.
Identifiers: ClinVar variation 2887034 (VCV002887034.4), dbSNP rs755989439, ClinGen allele CA6264424.